The following is an entry in ClinVar:

ClinVar aggregate classification (germline): Uncertain significance (1 of 4 stars; one submission).

Submission:

Labcorp Genetics (formerly Invitae), Labcorp
Classification: Uncertain significance. Last evaluated: 2022-07-27. Review status: criteria provided, single submitter. Criteria: Invitae Variant Classification Sherloc (09022015). Collection method: clinical testing. Allele origin: germline.
Comment: This sequence change falls in intron 1 of the LETM1 gene. It does not directly change the encoded amino acid sequence of the LETM1 protein. It affects a nucleotide within the consensus splice site. This variant is not present in population databases (gnomAD no frequency). This variant has not been reported in the literature in individuals affected with LETM1-related conditions. Variants that disrupt the consensus splice site are a relatively common cause of aberrant splicing (PMID: 17576681, 9536098). Algorithms developed to predict the effect of sequence changes on RNA splicing suggest that this variant is not likely to affect RNA splicing. In summary, the available evidence is currently insufficient to determine the role of this variant in disease. Therefore, it has been classified as a Variant of Uncertain Significance.

Literature cited by the submitters: PubMed 17576681; PubMed 9536098.

NM_012318.3(LETM1):c.83-3C>T

Gene: LETM1 (leucine zipper and EF-hand containing transmembrane protein 1; minus strand). Cytogenetic location: 4p16.3.
Variant type: single nucleotide variant.
Coding change: c.83-3C>T on transcript NM_012318.3 (MANE Select); 3 bases into the intron before coding-DNA position 83, C replaced by T.
Molecular consequence: intron variant.
Genome position (GRCh38, 1-based): chr4:1,849,212, G>A on the plus strand (C>T on the coding strand, the complement: LETM1 is on the minus strand). VCF-style: chr4-1849212-G-A. GRCh37 (hg19) VCF-style: chr4-1850939-G-A.
Identifiers: ClinVar variation 1968791 (VCV001968791.2), dbSNP rs2546881298, ClinGen allele CA2580070686.